The following is an entry in ClinVar:

NM_004360.5(CDH1):c.2635G>A (p.Gly879Ser)

Gene: CDH1 (cadherin 1; plus strand). Cytogenetic location: 16q22.1.
Variant type: single nucleotide variant.
Coding change: c.2635G>A on transcript NM_004360.5 (MANE Select); coding-DNA position 2635, G replaced by A.
Protein change: p.Gly879Ser; replaces glycine 879 with serine.
Molecular consequence: missense variant.
Genome position (GRCh38, 1-based): chr16:68,833,485, G>A. VCF-style: chr16-68833485-G-A. GRCh37 (hg19) VCF-style: chr16-68867388-G-A.
Other names: p.G879S:GGC>AGC; c.2452G>A, p.Gly818Ser (NM_001317184.2); c.1087G>A, p.Gly363Ser (NM_001317185.2); c.670G>A, p.Gly224Ser (NM_001317186.2); short protein forms G879S, G224S, G363S, G818S.
Identifiers: ClinVar variation 127928 (VCV000127928.79), dbSNP rs200911775, ClinGen allele CA288064.

ClinVar aggregate classification (germline): Likely benign. Review status: reviewed by expert panel (3 of 4 stars). 19 submissions from 18 submitters: Likely benign (1). 18 of the submissions do not count toward it. Last evaluated 2023-08-17.

Conditions:
CDH1-related diffuse gastric and lobular breast cancer syndrome. Also called: CDH1-related diffuse gastric and lobular breast cancer. Identifiers: MedGen CN311521, MONDO:0100488.
CDH1-related disorder. Also called: CDH1-related condition.
Hereditary cancer. Identifiers: MedGen C1333600.
Hereditary cancer-predisposing syndrome. Also called: Tumor predisposition; Hereditary neoplastic syndrome; Neoplastic Syndromes, Hereditary; Hereditary Cancer Syndrome. Identifiers: Orphanet 140162, MedGen C0027672, MeSH D009386, MONDO:0015356.
Hereditary diffuse gastric adenocarcinoma (HDGC). Also called: DIFFUSE GASTRIC AND LOBULAR BREAST CANCER SYNDROME. Identifiers: Orphanet 26106, MedGen C1708349, MONDO:0007648, OMIM 137215.
Familial cancer of breast. Also called: Hereditary breast cancer; hereditary breast carcinoma; BREAST CANCER, FAMILIAL. Identifiers: Orphanet 227535, MedGen C0346153, MONDO:0016419, OMIM 114480. Disease mechanism: loss of function.
Malignant tumor of breast. Also called: Malignant breast neoplasm; Cancer breast. Identifiers: MedGen C0006142, MONDO:0007254. Disease mechanism: loss of function.

Allele frequency attached by ClinVar (database versions not stated): TOPMed 0.00011; gnomAD 0.00013; ESP Exome Variant Server 0.00015.
gnomAD v4.1: 249 of 1,613,666 alleles (0.015%); highest among the groups gnomAD compares: Non-Finnish European, 0.019%; no homozygotes.

Submissions 1 to 16 of 19:

Clingen Gastric Cancer Variant Curation Expert Panel
Classification: Likely benign for CDH1-related diffuse gastric and lobular breast cancer syndrome. Last evaluated: 2023-08-17. Review status: reviewed by expert panel. Criteria: ClinGen CDH1 ACMG Specifications V3.1. Collection method: curation. Allele origin: germline. Inheritance: Autosomal dominant inheritance.
Comment: The c.2635G>A (p.Gly879Ser) variant has been observed in >10 individuals without a diagnosis of diffuse gastric cancer, signet ring tumor or lobular breast cancer and whose family histories do not suggest HDGC (BS2; internal laboratory contributors). In summary, the clinical significance of this variant is classified as likely benign based on BS2 alone. ACMG/AMP criteria applied, as specified by the CDH1 Variant Curation Expert Panel (Variant Interpretation Guidelines Version 3.1): BS2.

Institute of Human Genetics, University of Leipzig Medical Center
Classification: Likely benign for Hereditary diffuse gastric adenocarcinoma. Last evaluated: 2026-08-31. Review status: criteria provided, single submitter. Criteria: ACMG Guidelines, 2015. Collection method: clinical testing. Allele origin: unknown. Inheritance: Autosomal dominant inheritance. Affected: yes. Not counted in ClinVar's aggregate classification.
Comment: Criteria applied: BS2

Women's Health and Genetics/Laboratory Corporation of America, LabCorp
Classification: Likely benign. Last evaluated: 2026-02-23. Review status: criteria provided, single submitter. Criteria: LabCorp Variant Classification Summary - May 2015. Collection method: clinical testing. Allele origin: germline. Not counted in ClinVar's aggregate classification.
Comment: Variant summary: CDH1 c.2635G>A (p.Gly879Ser) results in a non-conservative amino acid change located in the cytoplasmic domain (IPR000233) of the encoded protein sequence. Algorithms developed to predict the effect of missense changes on protein structure and function are either unavailable or do not agree on the potential impact of this missense change. The variant allele was found at a frequency of 0.00012 in 277608 control chromosomes, predominantly at a frequency of 0.00025 within the Non-Finnish European subpopulation in the gnomAD database. The observed variant frequency within Non-Finnish European control individuals in the gnomAD database exceeds the estimated maximal expected allele frequency for disease-causing variants in CDH1, strongly suggesting the variant is a benign polymorphism. c.2635G>A has been observed in individuals with suspected Lynch syndrome or affected with lobular breast cancer (Valente_2014, Yurgelun_ 2015) without strong evidence of causality. These reports do not provide unequivocal conclusions about association of the variant with Hereditary Diffuse Gastric Cancer. To our knowledge, no experimental evidence demonstrating an impact on protein function has been reported. The following publications have been ascertained in the context of this evaluation (PMID: 25980754, 25067988, 26123647, 28166811, 30311375, 30287823). ClinVar contains an entry for this variant (Variation ID: 127928). Based on the evidence outlined above, the variant was classified as likely benign.

Labcorp Genetics (formerly Invitae), Labcorp
Classification: Likely benign for Hereditary diffuse gastric adenocarcinoma. Last evaluated: 2026-02-03. Review status: criteria provided, single submitter. Criteria: Invitae Variant Classification Sherloc (09022015). Collection method: clinical testing. Allele origin: germline. Not counted in ClinVar's aggregate classification.

Quest Diagnostics Nichols Institute San Juan Capistrano
Classification: Likely benign. Last evaluated: 2025-03-17. Review status: criteria provided, single submitter. Criteria: Quest Diagnostics criteria. Collection method: clinical testing. Allele origin: unknown. Not counted in ClinVar's aggregate classification.

Center for Genomic Medicine, Rigshospitalet, Copenhagen University Hospital
Classification: Likely benign. Last evaluated: 2025-03-04. Review status: criteria provided, single submitter. Criteria: ACMG Guidelines, 2015. Collection method: clinical testing. Allele origin: germline. Not counted in ClinVar's aggregate classification.

CeGaT Center for Human Genetics Tuebingen
Classification: Likely benign. Last evaluated: 2025-02-01. Review status: criteria provided, single submitter. Criteria: CeGaT Center For Human Genetics Tuebingen Variant Classification Criteria Version 2. Collection method: clinical testing. Allele origin: germline. Affected: yes. Observed: 4 variant alleles. Not counted in ClinVar's aggregate classification.
Comment: CDH1: BS2

PreventionGenetics, part of Exact Sciences
Classification: Likely benign for CDH1-related condition. Last evaluated: 2025-01-29. Review status: criteria provided, single submitter. Criteria: ACMG Guidelines, 2015. Collection method: clinical testing. Allele origin: germline. Not counted in ClinVar's aggregate classification.
Comment: This variant is classified as likely benign based on ACMG/AMP sequence variant interpretation guidelines (Richards et al. 2015 PMID: 25741868, with internal and published modifications).

Mendelics
Classification: Likely benign for Hereditary cancer. Last evaluated: 2024-01-23. Review status: criteria provided, single submitter. Criteria: ACMG Guidelines, 2015. Collection method: clinical testing. Allele origin: unknown. Not counted in ClinVar's aggregate classification.

European Reference Network on Genetic Tumour Risk Syndromes (ERN-GENTURIS), i3s - Instituto de Investigação e Inovação em Saúde, University of Porto
Classification: Likely benign for Hereditary diffuse gastric adenocarcinoma. Last evaluated: 2022-08-01. Review status: criteria provided, single submitter. Criteria: Lee et al. (Hum Mutat. 2018). Collection method: clinical testing. Allele origin: germline. Inheritance: Autosomal dominant inheritance. Affected: no. Study: ERN GENTURIS. Not counted in ClinVar's aggregate classification.
Comment: BS2 (PMID: 30311375)

Sema4
Classification: Likely benign for Hereditary cancer-predisposing syndrome. Last evaluated: 2022-01-06. Review status: criteria provided, single submitter. Criteria: Sema4 Curation Guidelines. Collection method: curation. Allele origin: germline. Not counted in ClinVar's aggregate classification.

GeneDx
Classification: Likely benign. Last evaluated: 2020-10-19. Review status: criteria provided, single submitter. Criteria: GeneDx Variant Classification Process June 2021. Collection method: clinical testing. Allele origin: germline. Affected: yes. Not counted in ClinVar's aggregate classification.
Comment: This variant is associated with the following publications: (PMID: 26123647, 25067988, 25980754, 25925381, 30287823)

Genetic Services Laboratory, University of Chicago
Classification: Likely benign. Last evaluated: 2020-04-20. Review status: criteria provided, single submitter. Criteria: ACMG Guidelines, 2015. Collection method: clinical testing. Allele origin: germline. Affected: no. Not counted in ClinVar's aggregate classification.

Color Diagnostics, LLC DBA Color Health
Classification: Likely benign for Hereditary cancer-predisposing syndrome. Last evaluated: 2020-03-04. Review status: criteria provided, single submitter. Criteria: ACMG Guidelines, 2015. Collection method: clinical testing. Allele origin: germline. Not counted in ClinVar's aggregate classification.

Ambry Genetics
Classification: Likely benign for Hereditary cancer-predisposing syndrome. Last evaluated: 2018-09-26. Review status: criteria provided, single submitter. Criteria: Ambry Variant Classification Scheme 2023. Collection method: clinical testing. Allele origin: germline. Not counted in ClinVar's aggregate classification.

Institute of Human Genetics, University of Leipzig Medical Center
Classification: Uncertain significance for Familial cancer of breast. Last evaluated: 2018-09-19. Review status: criteria provided, single submitter. Criteria: ACMG Guidelines, 2015. Collection method: clinical testing. Allele origin: germline. Affected: yes. Observed: 1 variant allele. Not counted in ClinVar's aggregate classification.